The following is an entry in ClinVar:

NM_182961.4(SYNE1):c.25789-116G>A

Gene: SYNE1 (spectrin repeat containing nuclear envelope protein 1; minus strand). Cytogenetic location: 6q25.2.
Variant type: single nucleotide variant.
Coding change: c.25789-116G>A on transcript NM_182961.4 (MANE Select); 116 bases into the intron before coding-DNA position 25789, G replaced by A.
Molecular consequence: intron variant.
Genome position (GRCh38, 1-based): chr6:152,133,604, C>T on the plus strand (G>A on the coding strand, the complement: SYNE1 is on the minus strand). VCF-style: chr6-152133604-C-T. GRCh37 (hg19) VCF-style: chr6-152454739-C-T.
Other names: c.25645-116G>A (NM_033071.5); c.2395-116G>A (NM_001347701.2); c.2323-116G>A (NM_001347702.2).
Identifiers: ClinVar variation 674413 (VCV000674413.1), dbSNP rs57299193, ClinGen allele CA150161163.

ClinVar aggregate classification (germline): Benign (1 of 4 stars; one submission).

Allele frequency attached by ClinVar (database versions not stated): gnomAD exomes 0.00353; 1000 Genomes Project 0.03075; 1000 Genomes Project 30x 0.03107; gnomAD 0.03291 and 0.03566; TOPMed 0.03659.
gnomAD v4.1: 8,199 of 1,018,936 alleles (0.8%); highest among the groups gnomAD compares: African/African-American, 12%; 450 homozygotes.

Submission:

GeneDx
Classification: Benign. Last evaluated: 2018-06-14. Review status: criteria provided, single submitter. Criteria: GeneDx Variant Classification (06012015). Collection method: clinical testing. Allele origin: germline. Affected: yes.
Comment: This variant is considered likely benign or benign based on one or more of the following criteria: it is a conservative change, it occurs at a poorly conserved position in the protein, it is predicted to be benign by multiple in silico algorithms, and/or has population frequency not consistent with disease.